The following is an entry in ClinVar:

ClinVar aggregate classification (germline): Likely benign (1 of 4 stars; one submission).

Conditions:
MYO7B-related disorder. Also called: MYO7B-related condition.

gnomAD v4.1: 155 of 1,612,562 alleles (0.0096%); highest among the groups gnomAD compares: Admixed American, 0.14%; no homozygotes.

Submission:

PreventionGenetics, part of Exact Sciences
Classification: Likely benign for MYO7B-related condition. Last evaluated: 2024-11-25. Review status: criteria provided, single submitter. Criteria: ACMG Guidelines, 2015. Collection method: clinical testing. Allele origin: germline.
Comment: This variant is classified as likely benign based on ACMG/AMP sequence variant interpretation guidelines (Richards et al. 2015 PMID: 25741868, with internal and published modifications).

NM_001393586.1(MYO7B):c.4873C>T (p.Arg1625Cys)

Gene: MYO7B (myosin VIIB; plus strand). Cytogenetic location: 2q14.3.
Variant type: single nucleotide variant.
Coding change: c.4873C>T on transcript NM_001393586.1 (MANE Select); coding-DNA position 4873, C replaced by T.
Protein change: p.Arg1625Cys; replaces arginine 1625 with cysteine.
Molecular consequence: missense variant.
Genome position (GRCh38, 1-based): chr2:127,630,844, C>T. VCF-style: chr2-127630844-C-T. GRCh37 (hg19) VCF-style: chr2-128388419-C-T.
Other names: c.4795C>T, p.Arg1599Cys (NM_001080527.2); c.1354C>T, p.Arg452Cys (NM_001393594.1); short protein forms R1599C, R452C, R1625C.
Identifiers: ClinVar variation 4978134 (VCV004978134.1).